The following is an entry in ClinVar:

NM_000719.7(CACNA1C):c.6219G>C (p.Glu2073Asp)

Genes: CACNA1C (calcium voltage-gated channel subunit alpha1 C; plus strand), CACNA1C-AS1 (CACNA1C antisense RNA 1; minus strand). Cytogenetic location: 12p13.33.
Variant type: single nucleotide variant.
Coding change: c.6219G>C on transcript NM_000719.7 (MANE Select); coding-DNA position 6219, G replaced by C.
Protein change: p.Glu2073Asp; replaces glutamic acid 2073 with aspartic acid.
Molecular consequence: missense variant.
Genome position (GRCh38, 1-based): chr12:2,691,001, G>C. VCF-style: chr12-2691001-G-C. GRCh37 (hg19) VCF-style: chr12-2800167-G-C.
Other names: c.6363G>C, p.Glu2121Asp (NM_001129827.2); c.6342G>C, p.Glu2114Asp (NM_001129829.2); c.6324G>C, p.Glu2108Asp (NM_001129830.3, NM_001167624.3); c.6303G>C, p.Glu2101Asp (NM_001129831.2); c.6279G>C, p.Glu2093Asp (NM_001129832.2); c.6276G>C, p.Glu2092Asp (NM_001129833.2, NM_001129834.2, NM_001129835.2); c.6270G>C, p.Glu2090Asp (NM_001129836.2); c.6243G>C, p.Glu2081Asp (NM_001129837.2, NM_001129838.2); and 6 more; short protein forms E2073D, E2079D, E2093D, E2090D, E2092D, E2101D, E2108D, E2121D.
Identifiers: ClinVar variation 2122441 (VCV002122441.4), dbSNP rs2535491074, ClinGen allele CA383386429.

ClinVar aggregate classification (germline): Uncertain significance (1 of 4 stars; one submission).

Conditions:
Long QT syndrome (LQTS). Identifiers: MedGen C0023976, MeSH D008133, MONDO:0002442. Disease mechanism: loss of function. Inheritance: Various modes of inheritance.

Submission:

Labcorp Genetics (formerly Invitae), Labcorp
Classification: Uncertain significance for Long QT syndrome. Last evaluated: 2022-11-15. Review status: criteria provided, single submitter. Criteria: Invitae Variant Classification Sherloc (09022015). Collection method: clinical testing. Allele origin: germline.
Comment: In summary, the available evidence is currently insufficient to determine the role of this variant in disease. Therefore, it has been classified as a Variant of Uncertain Significance. Advanced modeling of protein sequence and biophysical properties (such as structural, functional, and spatial information, amino acid conservation, physicochemical variation, residue mobility, and thermodynamic stability) performed at Invitae indicates that this missense variant is not expected to disrupt CACNA1C protein function. This variant has not been reported in the literature in individuals affected with CACNA1C-related conditions. This variant is not present in population databases (gnomAD no frequency). This sequence change replaces glutamic acid, which is acidic and polar, with aspartic acid, which is acidic and polar, at codon 2073 of the CACNA1C protein (p.Glu2073Asp).